The following is an entry in ClinVar:

NM_000070.3(CAPN3):c.183C>T (p.Phe61=)

Gene: CAPN3 (calpain 3; plus strand). Cytogenetic location: 15q15.1.
Variant type: single nucleotide variant.
Coding change: c.183C>T on transcript NM_000070.3 (MANE Select); coding-DNA position 183, C replaced by T.
Protein change: p.Phe61=; no amino-acid change (phenylalanine 61 retained).
Molecular consequence: synonymous variant.
Genome position (GRCh38, 1-based): chr15:42,359,988, C>T. VCF-style: chr15-42359988-C-T. GRCh37 (hg19) VCF-style: chr15-42652186-C-T.
Other names: c.183C>T, p.Phe61= (NM_024344.2, NM_173087.2).
Identifiers: ClinVar variation 286048 (VCV000286048.17), dbSNP rs146069933, ClinGen allele CA7510870.

ClinVar aggregate classification (germline): Conflicting classifications of pathogenicity. Review status: criteria provided, conflicting classifications (1 of 4 stars). 3 submissions from 3 submitters: Uncertain significance (1); Likely benign (1). 1 of the submissions does not count toward it. Last evaluated 2025-07-02.

Conditions:
Autosomal recessive limb-girdle muscular dystrophy type 2A (LGMDR1). Also called: Calpainopathy; Muscular dystrophy, limb-girdle, type 2A, Amish; LEYDEN-MOEBIUS MUSCULAR DYSTROPHY; MUSCULAR DYSTROPHY, PELVOFEMORAL; Limb-girdle muscular dystrophy, type 2A. Identifiers: Orphanet 267, MedGen C1869123, MONDO:0009675, OMIM 253600. Disease mechanism: loss of function.
CAPN3-related disorder. Also called: CAPN3-related condition; CAPN3-related disorders. Identifiers: MedGen CN239245.

Allele frequency attached by ClinVar (database versions not stated): TOPMed 0.00003; gnomAD 0.00004; gnomAD exomes 0.00004 and 0.00008; ExAC 0.00005; 1000 Genomes Project 30x 0.00016; 1000 Genomes Project 0.00020; ESP Exome Variant Server 0.00023.
gnomAD v4.1: 124 of 1,614,202 alleles (0.0077%); highest among the groups gnomAD compares: Middle Eastern, 0.23%; 1 homozygote.

Submissions (3):

Labcorp Genetics (formerly Invitae), Labcorp
Classification: Likely benign for Autosomal recessive limb-girdle muscular dystrophy type 2A. Last evaluated: 2025-07-02. Review status: criteria provided, single submitter. Criteria: Invitae Variant Classification Sherloc (09022015). Collection method: clinical testing. Allele origin: germline.

Eurofins Ntd Llc (ga)
Classification: Uncertain significance. Last evaluated: 2016-02-02. Review status: criteria provided, single submitter. Criteria: EGL Classification Definitions 2015. Collection method: clinical testing. Allele origin: germline. Observed: 2 variant alleles, 2 heterozygotes.

PreventionGenetics, part of Exact Sciences
Classification: Likely benign for CAPN3-related condition. Last evaluated: 2019-11-18. Review status: no assertion criteria provided. Collection method: clinical testing. Allele origin: germline. Not counted in ClinVar's aggregate classification.
Comment: This variant is classified as likely benign based on ACMG/AMP sequence variant interpretation guidelines (Richards et al. 2015 PMID: 25741868, with internal and published modifications).